The following is an entry in ClinVar:

ClinVar aggregate classification (germline): Uncertain significance (1 of 4 stars; one submission).

Conditions:
SCLT1-related disorder. Also called: SCLT1-related condition.

gnomAD v4.1: 3 of 1,482,216 alleles (0.0002%); highest among the groups gnomAD compares: Admixed American, 0.005%; no homozygotes.

Submission:

PreventionGenetics, part of Exact Sciences
Classification: Uncertain significance for SCLT1-related condition. Last evaluated: 2025-02-05. Review status: criteria provided, single submitter. Criteria: ACMG Guidelines, 2015. Collection method: clinical testing. Allele origin: germline.
Comment: The SCLT1 c.1148T>A variant is predicted to result in the amino acid substitution p.Val383Asp. To our knowledge, this variant has not been reported in the literature. This variant is reported in 0.0058% of alleles in individuals of Latino descent in gnomAD. At this time, the clinical significance of this variant is uncertain due to the absence of conclusive functional and genetic evidence.

NM_144643.4(SCLT1):c.1148T>A (p.Val383Asp)

Gene: SCLT1 (sodium channel and clathrin linker 1; minus strand). Cytogenetic location: 4q28.2.
Variant type: single nucleotide variant.
Coding change: c.1148T>A on transcript NM_144643.4 (MANE Select); coding-DNA position 1148, T replaced by A.
Protein change: p.Val383Asp; replaces valine 383 with aspartic acid.
Molecular consequence: missense variant.
Genome position (GRCh38, 1-based): chr4:128,952,839, A>T on the plus strand (T>A on the coding strand, the complement: SCLT1 is on the minus strand). VCF-style: chr4-128952839-A-T. GRCh37 (hg19) VCF-style: chr4-129873994-A-T.
Other names: c.1148T>A, p.Val383Asp (NM_001410807.1); short protein forms V383D.
Identifiers: ClinVar variation 4977084 (VCV004977084.1).